The following is an entry in ClinVar:

ClinVar aggregate classification (germline): Uncertain significance (1 of 4 stars; one submission).

Conditions:
Hereditary pheochromocytoma and paraganglioma. Also called: Hereditary paragangliomas and pheochromocytomas; Hereditary Paraganglioma-Pheochromocytoma Syndromes; Hereditary pheochromocytoma-paraganglioma. Identifiers: Orphanet 29072, MedGen C4274332, MONDO:0017366.

Submission:

Labcorp Genetics (formerly Invitae), Labcorp
Classification: Uncertain significance for Hereditary pheochromocytoma and paraganglioma. Last evaluated: 2023-06-14. Review status: criteria provided, single submitter. Criteria: Invitae Variant Classification Sherloc (09022015). Collection method: clinical testing. Allele origin: germline.
Comment: In summary, the available evidence is currently insufficient to determine the role of this variant in disease. Therefore, it has been classified as a Variant of Uncertain Significance. An algorithm developed to predict the effect of missense changes on protein structure and function (PolyPhen-2) suggests that this variant is likely to be tolerated. This variant has not been reported in the literature in individuals affected with MAX-related conditions. This variant is not present in population databases (gnomAD no frequency). This sequence change replaces aspartic acid, which is acidic and polar, with asparagine, which is neutral and polar, at codon 119 of the MAX protein (p.Asp119Asn).

NM_002382.5(MAX):c.355G>A (p.Asp119Asn)

Gene: MAX (MYC associated transcriptional regulator X; minus strand). Cytogenetic location: 14q23.3.
Variant type: single nucleotide variant.
Coding change: c.355G>A on transcript NM_002382.5 (MANE Select); coding-DNA position 355, G replaced by A.
Protein change: p.Asp119Asn; replaces aspartic acid 119 with asparagine.
Molecular consequence: missense variant. On other transcripts: 3 prime UTR variant (12), non-coding transcript variant (7), intron variant (2).
Genome position (GRCh38, 1-based): chr14:65,076,604, C>T on the plus strand (G>A on the coding strand, the complement: MAX is on the minus strand). VCF-style: chr14-65076604-C-T. GRCh37 (hg19) VCF-style: chr14-65543322-C-T.
Other names: c.*128G>A (NM_001407096.1, NM_001407099.1, NM_001407102.1 and 2 more transcripts); c.*144G>A (NM_001407097.1, NM_001407100.1, NM_001407101.1 and 4 more transcripts); c.247G>A, p.Asp83Asn (NM_001407098.1); c.166G>A, p.Asp56Asn (NM_001407105.1, NM_001407106.1, NM_001407107.1 and 1 more transcripts); c.154G>A, p.Asp52Asn (NM_001407111.1, NM_001407112.1); c.328G>A, p.Asp110Asn (NM_145112.3, NM_001407095.1); c.355G>A, p.Asp119Asn (NM_001407094.1); c.144+17104G>A (NM_001271069.2); and 1 more; short protein forms D110N, D56N, D83N, D119N, D52N.
Identifiers: ClinVar variation 3015166 (VCV003015166.3), dbSNP rs2139741082, ClinGen allele CA390031806.